The following is an entry in ClinVar:

NM_000153.4(GALC):c.498del (p.Asn167fs)

Gene: GALC (galactosylceramidase; minus strand). Cytogenetic location: 14q31.3.
Variant type: Deletion.
Coding change: c.498del on transcript NM_000153.4 (MANE Select); coding-DNA position 498, one base deleted (C; older notation c.498delC).
Protein change: p.Asn167fs; shifts the reading frame from asparagine 167.
Molecular consequence: frameshift variant.
Genome position (GRCh38, 1-based): chr14:87,984,478, G deleted on the plus strand (C on the coding strand, the reverse complement: GALC is on the minus strand). VCF-style (leftmost placement, unchanged base first): chr14-87984477-TG-T. GRCh37 (hg19) VCF-style: chr14-88450821-TG-T.
Other names: c.429del, p.Asn144fs (NM_001201401.2); c.420del, p.Asn141fs (NM_001201402.2); c.498delC (NM_000153.3); short protein forms N141fs, N144fs, N167fs.
Identifiers: ClinVar variation 1073890 (VCV001073890.9), dbSNP rs1886886241, ClinGen allele CA2153385644.

ClinVar aggregate classification (germline): Pathogenic/Likely pathogenic. Review status: criteria provided, multiple submitters, no conflicts (2 of 4 stars). 3 submissions from 3 submitters: Pathogenic (2); Likely pathogenic (1). Last evaluated 2025-01-09.

Conditions:
GALC-related disorder. Also called: GALC-related condition.
Galactosylceramide beta-galactosidase deficiency. Also called: Krabbe Disease; GALACTOCEREBROSIDASE DEFICIENCY; GALC DEFICIENCY; GLOBOID CELL LEUKOENCEPHALOPATHY; Leukodystrophy, Globoid Cell. Identifiers: Orphanet 487, MedGen C0023521, MONDO:0009499, OMIM 245200.

Allele frequency attached by ClinVar (database versions not stated): TOPMed 0.00001.

Submissions (3):

3billion
Classification: Pathogenic for Galactosylceramide beta-galactosidase deficiency. Last evaluated: 2025-01-09. Review status: criteria provided, single submitter. Criteria: ACMG Guidelines, 2015. Collection method: clinical testing. Allele origin: germline. Affected: yes.
Comment: The variant is not observed in the gnomAD v4.1.0 dataset. Predicted Consequence/Location: Frameshift: predicted to result in a loss or disruption of normal protein function through nonsense-mediated decay (NMD) or protein truncation. Multiple pathogenic variants are reported downstream of the variant. The variant has been reported to be associated with GALC-related disorder (ClinVar ID: VCV001073890). Therefore, this variant is classified as Pathogenic according to the recommendation of ACMG/AMP guideline.

PreventionGenetics, part of Exact Sciences
Classification: Likely pathogenic for GALC-related condition. Last evaluated: 2024-10-11. Review status: criteria provided, single submitter. Criteria: ACMG Guidelines, 2015. Collection method: clinical testing. Allele origin: germline.
Comment: The GALC c.498delC variant is predicted to result in a frameshift and premature protein termination (p.Asn167Ilefs*4). To our knowledge, this variant has not been reported in the literature or in a large population database (gnomAD), indicating this variant is rare. Frameshift variants in GALC are expected to be pathogenic. This variant is interpreted as likely pathogenic.

Labcorp Genetics (formerly Invitae), Labcorp
Classification: Pathogenic for Galactosylceramide beta-galactosidase deficiency. Last evaluated: 2023-02-25. Review status: criteria provided, single submitter. Criteria: Invitae Variant Classification Sherloc (09022015). Collection method: clinical testing. Allele origin: germline.
Comment: For these reasons, this variant has been classified as Pathogenic. ClinVar contains an entry for this variant (Variation ID: 1073890). This variant has not been reported in the literature in individuals affected with GALC-related conditions. This variant is not present in population databases (gnomAD no frequency). This sequence change creates a premature translational stop signal (p.Asn167Ilefs*4) in the GALC gene. It is expected to result in an absent or disrupted protein product. Loss-of-function variants in GALC are known to be pathogenic (PMID: 7437911, 9272171, 16607461).

Literature cited by the submitters: PubMed 7437911 (cited by Labcorp Genetics (formerly Invitae), Labcorp); PubMed 9272171 (cited by Labcorp Genetics (formerly Invitae), Labcorp); PubMed 16607461 (cited by Labcorp Genetics (formerly Invitae), Labcorp).